The following is an entry in ClinVar:

ClinVar aggregate classification (germline): Benign/Likely benign. Review status: criteria provided, multiple submitters, no conflicts (2 of 4 stars). 5 submissions from 5 submitters: Benign (1); Likely benign (4). Last evaluated 2026-02-03.

Conditions:
Generalized epilepsy-paroxysmal dyskinesia syndrome (PNKD3). Also called: Paroxysmal nonkinesigenic dyskinesia, 3, with or without generalized epilepsy; Generalized epilepsy and paroxysmal dyskinesia. Identifiers: Orphanet 79137, MedGen C5574945, MONDO:0012276, OMIM 609446.
Cerebellar atrophy, developmental delay, and seizures. Identifiers: MedGen C4539985, MONDO:0060551, OMIM 617643.
Liang-Wang syndrome. Identifiers: Orphanet 664438, MedGen C5231479, MONDO:0032886, OMIM 618729.
Epilepsy, idiopathic generalized, susceptibility to, 16. Identifiers: MedGen C5231421, MONDO:0032827, OMIM 618596.

Allele frequency attached by ClinVar (database versions not stated): ExAC 0.00222; ESP Exome Variant Server 0.00600; gnomAD 0.00651 and 0.00682; TOPMed 0.00699; 1000 Genomes Project 0.00938; 1000 Genomes Project 30x 0.01015.
gnomAD v4.1: 2,119 of 1,613,524 alleles (0.13%); highest among the groups gnomAD compares: African/African-American, 2.3%; 18 homozygotes.

Submissions (5):

Labcorp Genetics (formerly Invitae), Labcorp
Classification: Benign for Generalized epilepsy-paroxysmal dyskinesia syndrome. Last evaluated: 2026-02-03. Review status: criteria provided, single submitter. Criteria: Invitae Variant Classification Sherloc (09022015). Collection method: clinical testing. Allele origin: germline.

Fulgent Genetics
Classification: Likely benign for Generalized epilepsy-paroxysmal dyskinesia syndrome; Cerebellar atrophy, developmental delay, and seizures; Epilepsy, idiopathic generalized, susceptibility to, 16; Liang-Wang syndrome. Last evaluated: 2021-10-16. Review status: criteria provided, single submitter. Criteria: ACMG Guidelines, 2015. Collection method: clinical testing. Allele origin: unknown.

GeneDx
Classification: Likely benign. Last evaluated: 2018-07-17. Review status: criteria provided, single submitter. Criteria: GeneDx Variant Classification Process June 2021. Collection method: clinical testing. Allele origin: germline. Affected: yes.

Illumina Laboratory Services, Illumina
Classification: Likely benign for Generalized epilepsy-paroxysmal dyskinesia syndrome. Last evaluated: 2018-01-12. Review status: criteria provided, single submitter. Criteria: ICSL Variant Classification Criteria 13 December 2019. Collection method: clinical testing. Allele origin: germline.
Comment: This variant was observed in the ICSL laboratory as part of a predisposition screen in an ostensibly healthy population. It had not been previously curated by ICSL or reported in the Human Gene Mutation Database (HGMD: prior to June 1st, 2018), and was therefore a candidate for classification through an automated scoring system. Utilizing variant allele frequency, disease prevalence and penetrance estimates, and inheritance mode, an automated score was calculated to assess if this variant is too frequent to cause the disease. Based on the score and internal cut-off values, a variant classified as likely benign is not then subjected to further curation. The score for this variant resulted in a classification of likely benign for this disease.

Breakthrough Genomics
Classification: Likely benign. Review status: criteria provided, single submitter. Criteria: ACMG Guidelines, 2015. Collection method: not provided. Allele origin: germline. Inheritance: Autosomal recessive inheritance. Affected: yes.

NM_001161352.2(KCNMA1):c.1749+11G>A

Gene: KCNMA1 (potassium calcium-activated channel subfamily M alpha 1; minus strand). Cytogenetic location: 10q22.3.
Variant type: single nucleotide variant.
Coding change: c.1749+11G>A on transcript NM_001161352.2 (MANE Select); 11 bases into the intron after coding-DNA position 1749, G replaced by A.
Molecular consequence: intron variant.
Genome position (GRCh38, 1-based): chr10:77,073,086, C>T on the plus strand (G>A on the coding strand, the complement: KCNMA1 is on the minus strand). VCF-style: chr10-77073086-C-T. GRCh37 (hg19) VCF-style: chr10-78832844-C-T.
Other names: c.1587+11G>A (NM_001271518.2); c.1749+11G>A (NM_001322832.2, NM_001322829.2, NM_001014797.3 and 7 more transcripts); c.1209+11G>A (NM_001322838.2).
Identifiers: ClinVar variation 300962 (VCV000300962.17), dbSNP rs116546993, ClinGen allele CA5568366.